The following is an entry in ClinVar:

NM_032408.4(BAZ1B):c.1314dup (p.Thr439fs)

Gene: BAZ1B (bromodomain adjacent to zinc finger domain 1B; minus strand). Cytogenetic location: 7q11.23.
Variant type: Duplication.
Coding change: c.1314dup on transcript NM_032408.4 (MANE Select); coding-DNA position 1314, one base duplicated (G; older notation c.1314dupG).
Protein change: p.Thr439fs; shifts the reading frame from threonine 439.
Molecular consequence: frameshift variant.
Genome position (GRCh38, 1-based): chr7:73,478,147, C duplicated on the plus strand (G on the coding strand, the reverse complement: BAZ1B is on the minus strand). VCF-style (leftmost placement, unchanged base first): chr7-73478146-T-TC. GRCh37 (hg19) VCF-style: chr7-72892476-T-TC.
Other names: c.1314dup, p.Thr439fs (NM_001370402.1); short protein forms T439fs.
Identifiers: ClinVar variation 3347359 (VCV003347359.1).
Genomic context (GRCh38, chr7:73,478,146, plus strand): 5'-CCCCAGAATTCCGTGGGGCTCGTGTCATCTTCTGCGTGCCTTTGGCCATATCCAACAAAG[T>TC]CATCTGCTTCATTTTGGTTTTAGGAGTCTTCAGTCCTTTTTTGGGAGATTTGGAATTCCC-3'

ClinVar aggregate classification (germline): Uncertain significance (0 of 4 stars; one submission).

Conditions:
BAZ1B-related disorder. Also called: BAZ1B-related condition.

Submission:

PreventionGenetics, part of Exact Sciences
Classification: Uncertain significance for BAZ1B-related condition. Last evaluated: 2024-04-09. Review status: no assertion criteria provided. Collection method: clinical testing. Allele origin: germline.
Comment: The BAZ1B c.1314dupG variant is predicted to result in a frameshift and premature protein termination (p.Thr439Aspfs*24). To our knowledge, this variant has not been reported in the literature or in a large population database, indicating this variant is rare. Of note, loss of function variants in BAZ1B have not conclusively been associated with disease. Although we suspect that this variant may be pathogenic, at this time, the clinical significance of this variant is uncertain due to the absence of conclusive functional and genetic evidence.